The following is an entry in ClinVar:

NM_001111.5(ADAR):c.3444G>A (p.Gly1148=)

Gene: ADAR (adenosine deaminase RNA specific; minus strand). Cytogenetic location: 1q21.3.
Variant type: single nucleotide variant.
Coding change: c.3444G>A on transcript NM_001111.5 (MANE Select); coding-DNA position 3444, G replaced by A.
Protein change: p.Gly1148=; no amino-acid change (glycine 1148 retained).
Molecular consequence: synonymous variant.
Genome position (GRCh38, 1-based): chr1:154,585,043, C>T on the plus strand (G>A on the coding strand, the complement: ADAR is on the minus strand). VCF-style: chr1-154585043-C-T. GRCh37 (hg19) VCF-style: chr1-154557519-C-T.
Other names: c.2559G>A, p.Gly853= (NM_001025107.3, NM_001193495.2, NM_001365046.1 and 2 more transcripts); c.3471G>A, p.Gly1157= (NM_001365045.1); c.2481G>A, p.Gly827= (NM_001365049.1); c.3366G>A, p.Gly1122= (NM_015840.4); c.3309G>A, p.Gly1103= (NM_015841.4).
Identifiers: ClinVar variation 1404209 (VCV001404209.6), dbSNP rs2101558286, ClinGen allele CA421231600.
Genomic context (GRCh38, chr1:154,585,043, plus strand): 5'-GAGCTTCTTAAATAGAAGAAAAATGTTCTTTTTGGAGACCCGGGACAATTCATTCCGTGG[C>T]CTAGAGAAACAAAAGCACTCATTATTCACCTGGGACCTGTAAGATAAGGAGCTCACAGTG-3'
Protein context (NP_001102.3, residues 1138-1158): ILDGTRGTVD[Gly1148=]PRNELSRVSK

ClinVar aggregate classification (germline): Uncertain significance (1 of 4 stars; one submission).

Conditions:
Symmetrical dyschromatosis of extremities (DSH). Also called: RETICULATE ACROPIGMENTATION OF DOHI; SYMMETRIC DYSCHROMATOSIS OF THE EXTREMITIES; Dyschromatosis symmetrica hereditaria; DYSCHROMATOSIS SYMMETRICA HEREDITARIA 1. Identifiers: Orphanet 41, MedGen C0406775, MONDO:0007483, OMIM 127400.
Aicardi-Goutieres syndrome 6 (AGS6). Identifiers: Orphanet 51, MedGen C3539013, MONDO:0014007, OMIM 615010.

Allele frequency attached by ClinVar (database versions not stated): gnomAD exomes below 0.00001.
gnomAD v4.1: 1 of 1,613,672 alleles (0.000062%); highest among the groups gnomAD compares: Non-Finnish European, 0.000085%; no homozygotes.

Submission:

Labcorp Genetics (formerly Invitae), Labcorp
Classification: Uncertain significance for Aicardi-Goutieres syndrome 6; Symmetrical dyschromatosis of extremities. Last evaluated: 2025-09-02. Review status: criteria provided, single submitter. Criteria: Invitae Variant Classification Sherloc (09022015). Collection method: clinical testing. Allele origin: germline.
Comment: This sequence change affects codon 1148 of the ADAR mRNA. It is a 'silent' change, meaning that it does not change the encoded amino acid sequence of the ADAR protein. It affects a nucleotide within the consensus splice site. This variant is not present in population databases (gnomAD no frequency). This variant has not been reported in the literature in individuals affected with ADAR-related conditions. ClinVar contains an entry for this variant (Variation ID: 1404209). Algorithms developed to predict the effect of sequence changes on RNA splicing suggest that this variant is not likely to affect RNA splicing. In summary, the available evidence is currently insufficient to determine the role of this variant in disease. Therefore, it has been classified as a Variant of Uncertain Significance.